The following is an entry in ClinVar:

ClinVar aggregate classification (germline): Uncertain significance (1 of 4 stars; one submission).

Conditions:
Myopathy, tubular aggregate, 2 (TAM2). Identifiers: MedGen C4014557, MONDO:0014383, OMIM 615883.
Combined immunodeficiency due to ORAI1 deficiency. Also called: IMMUNODEFICIENCY 9. Identifiers: Orphanet 169090, Orphanet 317428, MedGen C2748568, MONDO:0013007, OMIM 612782.

Allele frequency attached by ClinVar (database versions not stated): TOPMed below 0.00001; gnomAD 0.00002.

Submission:

Labcorp Genetics (formerly Invitae), Labcorp
Classification: Uncertain significance for Myopathy, tubular aggregate, 2; Combined immunodeficiency due to ORAI1 deficiency. Last evaluated: 2022-04-18. Review status: criteria provided, single submitter. Criteria: Invitae Variant Classification Sherloc (09022015). Collection method: clinical testing. Allele origin: germline.
Comment: This sequence change affects codon 43 of the ORAI1 mRNA. It is a 'silent' change, meaning that it does not change the encoded amino acid sequence of the ORAI1 protein. This variant is not present in population databases (gnomAD no frequency). This variant has not been reported in the literature in individuals affected with ORAI1-related conditions. Experimental studies and prediction algorithms are not available or were not evaluated, and the effect of this variant on mRNA splicing is currently unknown. In summary, the available evidence is currently insufficient to determine the role of this variant in disease. Therefore, it has been classified as a Variant of Uncertain Significance.

NM_032790.4(ORAI1):c.135G>A (p.Pro45=)

Genes: ORAI1 (ORAI calcium release-activated calcium modulator 1; plus strand), LOC130008987 (ATAC-STARR-seq lymphoblastoid silent region 4981; plus strand). Cytogenetic location: 12q24.31.
Variant type: single nucleotide variant.
Coding change: c.135G>A on transcript NM_032790.4 (MANE Select); coding-DNA position 135, G replaced by A.
Protein change: p.Pro45=; no amino-acid change (proline 45 retained).
Genome position (GRCh38, 1-based): chr12:121,626,882, G>A. VCF-style: chr12-121626882-G-A. GRCh37 (hg19) VCF-style: chr12-122064788-G-A.
Identifiers: ClinVar variation 2118192 (VCV002118192.1), dbSNP rs1227828097, ClinGen allele CA684498563.